The following is an entry in ClinVar:

ClinVar aggregate classification (germline): Pathogenic (1 of 4 stars; one submission).

Conditions:
Hereditary cancer-predisposing syndrome. Also called: Hereditary Cancer Syndrome; Neoplastic Syndromes, Hereditary; Hereditary neoplastic syndrome; Tumor predisposition. Identifiers: Orphanet 140162, MedGen C0027672, MeSH D009386, MONDO:0015356.
Cardiovascular phenotype. Identifiers: MedGen CN230736.

Submission:

Ambry Genetics
Classification: Pathogenic for Cardiovascular phenotype; Hereditary cancer-predisposing syndrome. Last evaluated: 2016-04-25. Review status: criteria provided, single submitter. Criteria: Ambry Variant Classification Scheme 2023. Collection method: clinical testing. Allele origin: germline.
Comment: The c.7259delC pathogenic mutation, located in coding exon 49 of the NF1 gene, results from a deletion of one nucleotide at nucleotide position 7259, causing a translational frameshift with a predicted alternate stop codon. Since frameshifts are typically deleterious in nature, this alteration is interpreted as a disease-causing mutation (ACMG Recommendations for Standards for Interpretation and Reporting of Sequence Variations. Revision 2007. Genet Med. 2008;10:294).

NM_001042492.3(NF1):c.7322del (p.Ala2441fs)

Gene: NF1 (neurofibromin 1; plus strand). Cytogenetic location: 17q11.2.
Variant type: Deletion.
Coding change: c.7322del on transcript NM_001042492.3 (MANE Select); coding-DNA position 7322, one base deleted (C; older notation c.7322delC).
Protein change: p.Ala2441fs; shifts the reading frame from alanine 2441.
Molecular consequence: frameshift variant.
Genome position (GRCh38, 1-based): chr17:31,350,183, C deleted. VCF-style (leftmost placement, unchanged base first): chr17-31350182-GC-G. GRCh37 (hg19) VCF-style: chr17-29677200-GC-G.
Other names: c.7259delC (NM_000267.3); c.7259delC, p.Ala2420Valfs (NM_000267.4); short protein forms A2420fs, A2441fs.
Identifiers: ClinVar variation 428993 (VCV000428993.5), dbSNP rs1131691113, ClinGen allele CA645369732.